The following is an entry in ClinVar:

NM_006978.3(RNF113A):c.763G>A (p.Asp255Asn)

Gene: RNF113A (ring finger protein 113A; minus strand). Cytogenetic location: Xq24.
Variant type: single nucleotide variant.
Coding change: c.763G>A on transcript NM_006978.3 (MANE Select); coding-DNA position 763, G replaced by A.
Protein change: p.Asp255Asn; replaces aspartic acid 255 with asparagine.
Molecular consequence: missense variant.
Genome position (GRCh38, 1-based): chrX:119,870,851, C>T on the plus strand (G>A on the coding strand, the complement: RNF113A is on the minus strand). VCF-style: chrX-119870851-C-T. GRCh37 (hg19) VCF-style: chrX-119004814-C-T.
Other names: short protein forms D255N.
Identifiers: ClinVar variation 1026751 (VCV001026751.13), dbSNP rs150591502, ClinGen allele CA10503434.

ClinVar aggregate classification (germline): Likely benign. Review status: criteria provided, multiple submitters, no conflicts (2 of 4 stars). 4 submissions from 4 submitters: Likely benign (2). 2 of the submissions do not count toward it. Last evaluated 2026-01-06.

Allele frequency attached by ClinVar (database versions not stated): gnomAD 0.00070 and 0.00073; gnomAD exomes 0.00072 and 0.00105; TOPMed 0.00072; ExAC 0.00077; 1000 Genomes Project 0.00079; 1000 Genomes Project 30x 0.00104; ESP Exome Variant Server 0.00104.
gnomAD v4.1: 1,235 of 1,209,744 alleles (0.1%); highest among the groups gnomAD compares: Non-Finnish European, 0.12%; no homozygotes.

Submissions (4):

Labcorp Genetics (formerly Invitae), Labcorp
Classification: Likely benign. Last evaluated: 2026-01-06. Review status: criteria provided, single submitter. Criteria: Invitae Variant Classification Sherloc (09022015). Collection method: clinical testing. Allele origin: germline.

Laboratorio de Genetica e Diagnostico Molecular, Hospital Israelita Albert Einstein
Classification: Likely benign. Last evaluated: 2020-01-20. Review status: criteria provided, single submitter. Criteria: ACMG Guidelines, 2015. Collection method: clinical testing. Allele origin: germline. Affected: yes.
Comment: ACMG classification criteria: BS2, BP4

Clinical Genetics DNA and cytogenetics Diagnostics Lab, Erasmus MC, Erasmus Medical Center
Classification: Likely benign. Review status: no assertion criteria provided. Collection method: clinical testing. Allele origin: germline. Affected: yes. Study: VKGL Data-share Consensus. Not counted in ClinVar's aggregate classification.

Laboratory of Diagnostic Genome Analysis, Leiden University Medical Center (LUMC)
Classification: Likely benign. Review status: no assertion criteria provided. Collection method: clinical testing. Allele origin: germline. Affected: yes. Study: VKGL Data-share Consensus. Not counted in ClinVar's aggregate classification.